The following is an entry in ClinVar:

ClinVar aggregate classification (germline): Uncertain significance (1 of 4 stars; one submission).

Conditions:
Developmental and epileptic encephalopathy, 36 (DEE36). Also called: Epileptic encephalopathy, early infantile, 36; Congenital disorder of glycosylation, type Is; ALG13-CDG. Identifiers: Orphanet 324422, MedGen C4317295, MONDO:0010472, OMIM 300884.

Allele frequency attached by ClinVar (database versions not stated): gnomAD exomes below 0.00001.
gnomAD v4.1: 3 of 1,210,949 alleles (0.00025%); highest among the groups gnomAD compares: South Asian, 0.0053%; no homozygotes.

Submission:

Labcorp Genetics (formerly Invitae), Labcorp
Classification: Uncertain significance for Developmental and epileptic encephalopathy, 36. Last evaluated: 2020-06-21. Review status: criteria provided, single submitter. Criteria: Invitae Variant Classification Sherloc (09022015). Collection method: clinical testing. Allele origin: germline.
Comment: This sequence change replaces valine with methionine at codon 548 of the ALG13 protein (p.Val548Met). The valine residue is moderately conserved and there is a small physicochemical difference between valine and methionine. This variant is not present in population databases (ExAC no frequency). This variant has not been reported in the literature in individuals with ALG13-related conditions. Algorithms developed to predict the effect of missense changes on protein structure and function output the following: SIFT: "Tolerated"; PolyPhen-2: "Benign"; Align-GVGD: "Class C0". The methionine amino acid residue is found in multiple mammalian species, suggesting that this missense change does not adversely affect protein function. These predictions have not been confirmed by published functional studies and their clinical significance is uncertain. In summary, the available evidence is currently insufficient to determine the role of this variant in disease. Therefore, it has been classified as a Variant of Uncertain Significance.

NM_001099922.3(ALG13):c.1642G>A (p.Val548Met)

Gene: ALG13 (ALG13 UDP-N-acetylglucosaminyltransferase subunit; plus strand). Cytogenetic location: Xq23.
Variant type: single nucleotide variant.
Coding change: c.1642G>A on transcript NM_001099922.3 (MANE Select); coding-DNA position 1642, G replaced by A.
Protein change: p.Val548Met; replaces valine 548 with methionine.
Molecular consequence: missense variant. On other transcripts: non-coding transcript variant (1).
Genome position (GRCh38, 1-based): chrX:111,724,974, G>A. VCF-style: chrX-111724974-G-A. GRCh37 (hg19) VCF-style: chrX-110968202-G-A.
Other names: c.1330G>A, p.Val444Met (NM_001257230.2, NM_001257234.2, NM_001257237.2); c.1408G>A, p.Val470Met (NM_001257231.2); c.1642G>A, p.Val548Met (NM_001324292.2); c.1156G>A, p.Val386Met (NM_001324293.1); short protein forms V386M, V444M, V470M, V548M.
Identifiers: ClinVar variation 1019681 (VCV001019681.9), dbSNP rs1941813123, ClinGen allele CA414252201.